The following is an entry in ClinVar:

NM_020937.4(FANCM):c.941C>G (p.Ser314Cys)

Gene: FANCM (FA complementation group M; plus strand). Cytogenetic location: 14q21.2.
Variant type: single nucleotide variant.
Coding change: c.941C>G on transcript NM_020937.4 (MANE Select); coding-DNA position 941, C replaced by G.
Protein change: p.Ser314Cys; replaces serine 314 with cysteine.
Molecular consequence: missense variant.
Genome position (GRCh38, 1-based): chr14:45,151,419, C>G. VCF-style: chr14-45151419-C-G. GRCh37 (hg19) VCF-style: chr14-45620622-C-G.
Other names: c.863C>G, p.Ser288Cys (NM_001308133.2); c.941C>G, p.Ser314Cys (NM_001308134.2); short protein forms S288C, S314C.
Identifiers: ClinVar variation 1022167 (VCV001022167.8), dbSNP rs774801698, ClinGen allele CA7168895.

ClinVar aggregate classification (germline): Uncertain significance (1 of 4 stars; one submission).

Conditions:
Fanconi anemia (FA). Also called: Fanconi's anemia. Identifiers: Orphanet 84, MedGen C0015625, MeSH D005199, MONDO:0019391.

Allele frequency attached by ClinVar (database versions not stated): gnomAD exomes below 0.00001; TOPMed below 0.00001; ExAC 0.00001.
gnomAD v4.1: 1 of 1,613,686 alleles (0.000062%); highest among the groups gnomAD compares: East Asian, 0.0022%; no homozygotes.

Submission:

Labcorp Genetics (formerly Invitae), Labcorp
Classification: Uncertain significance for Fanconi anemia. Last evaluated: 2020-11-02. Review status: criteria provided, single submitter. Criteria: Invitae Variant Classification Sherloc (09022015). Collection method: clinical testing. Allele origin: germline.
Comment: This variant has not been reported in the literature in individuals with FANCM-related conditions. This variant is present in population databases (rs774801698, ExAC 0.01%). This sequence change replaces serine with cysteine at codon 314 of the FANCM protein (p.Ser314Cys). The serine residue is weakly conserved and there is a moderate physicochemical difference between serine and cysteine. Algorithms developed to predict the effect of missense changes on protein structure and function output the following: SIFT: "Deleterious"; PolyPhen-2: "Benign"; Align-GVGD: "Class C0". The cysteine amino acid residue is found in multiple mammalian species, suggesting that this missense change does not adversely affect protein function. These predictions have not been confirmed by published functional studies and their clinical significance is uncertain. In summary, the available evidence is currently insufficient to determine the role of this variant in disease. Therefore, it has been classified as a Variant of Uncertain Significance.